The following is an entry in ClinVar:

NM_001029883.3(PCARE):c.2330del (p.Leu777fs)

Gene: PCARE (photoreceptor cilium actin regulator; minus strand). Cytogenetic location: 2p23.2.
Variant type: Deletion.
Coding change: c.2330del on transcript NM_001029883.3 (MANE Select); coding-DNA position 2330, one base deleted (T; older notation c.2330delT).
Protein change: p.Leu777fs; shifts the reading frame from leucine 777.
Molecular consequence: frameshift variant.
Genome position (GRCh38, 1-based): chr2:29,071,932, A deleted on the plus strand (T on the coding strand, the reverse complement: PCARE is on the minus strand); the first of 3 consecutive A bases (chr2:29,071,932-29,071,934); deleting any one gives the same sequence. VCF-style (leftmost placement, unchanged base first): chr2-29071931-CA-C. GRCh37 (hg19) VCF-style: chr2-29294797-CA-C.
Other names: short protein forms L777fs.
Identifiers: ClinVar variation 1421257 (VCV001421257.6), dbSNP rs2148415700, ClinGen allele CA2573134456.

ClinVar aggregate classification (germline): Pathogenic (1 of 4 stars; one submission).

Submission:

Labcorp Genetics (formerly Invitae), Labcorp
Classification: Pathogenic. Last evaluated: 2025-05-27. Review status: criteria provided, single submitter. Criteria: Invitae Variant Classification Sherloc (09022015). Collection method: clinical testing. Allele origin: germline.
Comment: This sequence change creates a premature translational stop signal (p.Leu777Cysfs*20) in the PCARE gene. It is expected to result in an absent or disrupted protein product. Loss-of-function variants in PCARE are known to be pathogenic (PMID: 20398886, 24339724, 26496393). This variant is not present in population databases (gnomAD no frequency). This variant has not been reported in the literature in individuals affected with PCARE-related conditions. ClinVar contains an entry for this variant (Variation ID: 1421257). For these reasons, this variant has been classified as Pathogenic.

Literature cited by the submitters: PubMed 20398886; PubMed 24339724; PubMed 26496393.